The following is an entry in ClinVar:

NM_016013.4(NDUFAF1):c.656G>C (p.Trp219Ser)

Gene: NDUFAF1 (NADH:ubiquinone oxidoreductase complex assembly factor 1; minus strand). Cytogenetic location: 15q15.1.
Variant type: single nucleotide variant.
Coding change: c.656G>C on transcript NM_016013.4 (MANE Select); coding-DNA position 656, G replaced by C.
Protein change: p.Trp219Ser; replaces tryptophan 219 with serine.
Molecular consequence: missense variant. On other transcripts: non-coding transcript variant (1).
Genome position (GRCh38, 1-based): chr15:41,394,962, C>G on the plus strand (G>C on the coding strand, the complement: NDUFAF1 is on the minus strand). VCF-style: chr15-41394962-C-G. GRCh37 (hg19) VCF-style: chr15-41687160-C-G.
Other names: short protein forms W219S.
Identifiers: ClinVar variation 2291339 (VCV002291339.4), dbSNP rs2550177507, ClinGen allele CA391809577.

ClinVar aggregate classification (germline): Uncertain significance. Review status: criteria provided, multiple submitters, no conflicts (2 of 4 stars). 2 submissions from 2 submitters: Uncertain significance (2). Last evaluated 2024-10-26.

Allele frequency attached by ClinVar (database versions not stated): gnomAD exomes below 0.00001.

Submissions (2):

Labcorp Genetics (formerly Invitae), Labcorp
Classification: Uncertain significance. Last evaluated: 2024-10-26. Review status: criteria provided, single submitter. Criteria: Invitae Variant Classification Sherloc (09022015). Collection method: clinical testing. Allele origin: germline.
Comment: This sequence change replaces tryptophan, which is neutral and slightly polar, with serine, which is neutral and polar, at codon 219 of the NDUFAF1 protein (p.Trp219Ser). This variant is not present in population databases (gnomAD no frequency). This variant has not been reported in the literature in individuals affected with NDUFAF1-related conditions. ClinVar contains an entry for this variant (Variation ID: 2291339). Invitae Evidence Modeling of protein sequence and biophysical properties (such as structural, functional, and spatial information, amino acid conservation, physicochemical variation, residue mobility, and thermodynamic stability) indicates that this missense variant is expected to disrupt NDUFAF1 protein function with a positive predictive value of 80%. In summary, the available evidence is currently insufficient to determine the role of this variant in disease. Therefore, it has been classified as a Variant of Uncertain Significance.

Ambry Genetics
Classification: Uncertain significance. Last evaluated: 2022-05-26. Review status: criteria provided, single submitter. Criteria: Ambry Variant Classification Scheme 2023. Collection method: clinical testing. Allele origin: germline.